The following is an entry in ClinVar:

NM_006031.6(PCNT):c.1384C>T (p.Gln462Ter)

Gene: PCNT (pericentrin; plus strand). Cytogenetic location: 21q22.3.
Variant type: single nucleotide variant.
Coding change: c.1384C>T on transcript NM_006031.6 (MANE Select); coding-DNA position 1384, C replaced by T.
Protein change: p.Gln462Ter; replaces glutamine 462 with a stop codon.
Molecular consequence: nonsense.
Genome position (GRCh38, 1-based): chr21:46,351,468, C>T. VCF-style: chr21-46351468-C-T. GRCh37 (hg19) VCF-style: chr21-47771382-C-T.
Other names: c.1030C>T, p.Gln344Ter (NM_001315529.2); short protein forms Q344*, Q462*.
Identifiers: ClinVar variation 4999892 (VCV004999892.1).

ClinVar aggregate classification (germline): Likely pathogenic (1 of 4 stars; one submission).

Conditions:
PCNT-related disorder. Also called: PCNT-related condition.

Submission:

PreventionGenetics, part of Exact Sciences
Classification: Likely pathogenic for PCNT-related condition. Last evaluated: 2024-12-03. Review status: criteria provided, single submitter. Criteria: ACMG Guidelines, 2015. Collection method: clinical testing. Allele origin: germline.
Comment: The PCNT c.1384C>T variant is predicted to result in premature protein termination (p.Gln462*). To our knowledge, this variant has not been reported in the literature or in a large population database (gnomAD), indicating this variant is rare. Nonsense variants in PCNT are expected to be pathogenic. This variant is interpreted as likely pathogenic.